The following is an entry in ClinVar:

NM_001035.3(RYR2):c.308A>C (p.Lys103Thr)

Gene: RYR2 (ryanodine receptor 2; plus strand). Cytogenetic location: 1q43.
Variant type: single nucleotide variant.
Coding change: c.308A>C on transcript NM_001035.3 (MANE Select); coding-DNA position 308, A replaced by C.
Protein change: p.Lys103Thr; replaces lysine 103 with threonine.
Molecular consequence: missense variant.
Genome position (GRCh38, 1-based): chr1:237,364,371, A>C. VCF-style: chr1-237364371-A-C. GRCh37 (hg19) VCF-style: chr1-237527671-A-C.
Other names: short protein forms K103T.
Identifiers: ClinVar variation 179903 (VCV000179903.6), dbSNP rs727505209, ClinGen allele CA009072.

ClinVar aggregate classification (germline): Uncertain significance. Review status: criteria provided, multiple submitters, no conflicts (2 of 4 stars). 2 submissions from 2 submitters: Uncertain significance (2). Last evaluated 2025-10-05.

Conditions:
Cardiomyopathy (CMYO). Also called: Cardiomyopathies. Identifiers: Orphanet 167848, MedGen C0878544, MONDO:0004994, HP:0001638. Inheritance: Various modes of inheritance.

Submissions (2):

Color Diagnostics, LLC DBA Color Health
Classification: Uncertain significance for Cardiomyopathy. Last evaluated: 2025-10-05. Review status: criteria provided, single submitter. Criteria: ACMG Guidelines, 2015. Collection method: clinical testing. Allele origin: germline.
Comment: This missense variant replaces lysine with threonine at codon 103 of the RYR2 protein. Computational prediction suggests that this variant may not impact protein structure and function. To our knowledge, functional studies have not been reported for this variant. This variant has not been reported in individuals affected with RYR2-related disorders in the literature. This variant has not been identified in the general population by the Genome Aggregation Database (gnomAD). The available evidence is insufficient to determine the role of this variant in disease conclusively. Therefore, this variant is classified as a Variant of Uncertain Significance.

Laboratory for Molecular Medicine, Mass General Brigham Personalized Medicine
Classification: Uncertain significance. Last evaluated: 2014-07-18. Review status: criteria provided, single submitter. Criteria: LMM Criteria. Collection method: clinical testing. Allele origin: germline. Observed: 1 variant allele.
Comment: The Lys103Thr variant in RYR2 has not been previously reported in individuals wi th cardiomyopathy or in large population studies. Computational prediction tools and conservation analysis do not provide strong support for or against an impac t to the protein. In summary, the clinical significance of the Lys103Thr variant is uncertain.